The following is an entry in ClinVar:

ClinVar aggregate classification (germline): Uncertain significance. Review status: criteria provided, multiple submitters, no conflicts (2 of 4 stars). 2 submissions from 2 submitters: Uncertain significance (2). Last evaluated 2024-02-05.

Allele frequency attached by ClinVar (database versions not stated): TOPMed 0.00005; gnomAD 0.00007.
gnomAD v4.1: 50 of 1,596,808 alleles (0.0031%); highest among the groups gnomAD compares: Admixed American, 0.0086%; no homozygotes.

Submissions (2):

Ambry Genetics
Classification: Uncertain significance. Last evaluated: 2024-02-05. Review status: criteria provided, single submitter. Criteria: Ambry Variant Classification Scheme 2023. Collection method: clinical testing. Allele origin: germline.

GeneDx
Classification: Uncertain significance. Last evaluated: 2022-11-03. Review status: criteria provided, single submitter. Criteria: GeneDx Variant Classification Process June 2021. Collection method: clinical testing. Allele origin: germline. Affected: yes.
Comment: In silico analysis supports that this missense variant has a deleterious effect on protein structure/function; Has not been previously published as pathogenic or benign to our knowledge; Variants in candidate genes are classified as variants of uncertain significance in accordance with ACMG guidelines (Richards et al., 2015)

NM_018897.3(DNAH7):c.9815G>A (p.Arg3272Gln)

Gene: DNAH7 (dynein axonemal heavy chain 7; minus strand). Cytogenetic location: 2q32.3.
Variant type: single nucleotide variant.
Coding change: c.9815G>A on transcript NM_018897.3 (MANE Select); coding-DNA position 9815, G replaced by A.
Protein change: p.Arg3272Gln; replaces arginine 3272 with glutamine.
Molecular consequence: missense variant.
Genome position (GRCh38, 1-based): chr2:195,809,818, C>T on the plus strand (G>A on the coding strand, the complement: DNAH7 is on the minus strand). VCF-style: chr2-195809818-C-T. GRCh37 (hg19) VCF-style: chr2-196674542-C-T.
Other names: short protein forms R3272Q.
Identifiers: ClinVar variation 3084152 (VCV003084152.2), dbSNP rs778417940, ClinGen allele CA2034280.
Genomic context (GRCh38, chr2:195,809,818, plus strand): 5'-AGCAGTAGATTTATGGTTAGACAAAAGGAAAAGAGCAGCTTATCCTTTTCAAAGAGTGAC[C>T]GGCAGACATTAACATACAGTGAATAAGTAAAGTGATCCTTGAGAATCTGAAGCCTAAGGG-3'
Protein context (NP_061720.2, residues 3262-3282): FTYSLYVNVC[Arg3272Gln]SLFEKDKLLF